The following is an entry in ClinVar:

ClinVar aggregate classification (germline): Uncertain significance. Review status: criteria provided, multiple submitters, no conflicts (2 of 4 stars). 2 submissions from 2 submitters: Uncertain significance (2). Last evaluated 2024-08-12.

Conditions:
Neuropathy, hereditary sensory and autonomic, type 2A (HSAN2A). Also called: ACROOSTEOLYSIS, GIACCAI TYPE; ACROOSTEOLYSIS, NEUROGENIC; MORVAN DISEASE; NEUROPATHY, CONGENITAL SENSORY; NEUROPATHY, HEREDITARY SENSORY RADICULAR, AUTOSOMAL RECESSIVE; NEUROPATHY, HEREDITARY SENSORY, TYPE IIA. Identifiers: Orphanet 970, MedGen C2752089, MONDO:0024309, OMIM 201300.
Pseudohypoaldosteronism type 2C (PHA2C). Also called: Pseudohypoaldosteronism Type IIC. Identifiers: Orphanet 757, Orphanet 88940, MedGen C1840391, MONDO:0013778, OMIM 614492.

Allele frequency attached by ClinVar (database versions not stated): gnomAD exomes below 0.00001; gnomAD 0.00001.
gnomAD v4.1: 7 of 1,613,988 alleles (0.00043%); highest among the groups gnomAD compares: Non-Finnish European, 0.00042%; no homozygotes.

Submissions (2):

Labcorp Genetics (formerly Invitae), Labcorp
Classification: Uncertain significance for Neuropathy, hereditary sensory and autonomic, type 2A; Pseudohypoaldosteronism type 2C. Last evaluated: 2024-08-12. Review status: criteria provided, single submitter. Criteria: Invitae Variant Classification Sherloc (09022015). Collection method: clinical testing. Allele origin: germline.
Comment: This sequence change replaces serine, which is neutral and polar, with isoleucine, which is neutral and non-polar, at codon 610 of the WNK1 protein (p.Ser610Ile). This variant is not present in population databases (gnomAD no frequency). This variant has not been reported in the literature in individuals affected with WNK1-related conditions. ClinVar contains an entry for this variant (Variation ID: 2498539). Advanced modeling of protein sequence and biophysical properties (such as structural, functional, and spatial information, amino acid conservation, physicochemical variation, residue mobility, and thermodynamic stability) performed at Invitae indicates that this missense variant is not expected to disrupt WNK1 protein function with a negative predictive value of 95%. In summary, the available evidence is currently insufficient to determine the role of this variant in disease. Therefore, it has been classified as a Variant of Uncertain Significance.

CeGaT Center for Human Genetics Tuebingen
Classification: Uncertain significance. Last evaluated: 2023-02-01. Review status: criteria provided, single submitter. Criteria: CeGaT Center For Human Genetics Tuebingen Variant Classification Criteria Version 2. Collection method: clinical testing. Allele origin: germline. Affected: yes. Observed: 1 variant allele.
Comment: WNK1: PM2, BP4

NM_018979.4(WNK1):c.1829G>T (p.Ser610Ile)

Gene: WNK1 (WNK lysine deficient protein kinase 1; plus strand). Cytogenetic location: 12p13.33.
Variant type: single nucleotide variant.
Coding change: c.1829G>T on transcript NM_018979.4 (MANE Select); coding-DNA position 1829, G replaced by T.
Protein change: p.Ser610Ile; replaces serine 610 with isoleucine.
Molecular consequence: missense variant.
Genome position (GRCh38, 1-based): chr12:861,221, G>T. VCF-style: chr12-861221-G-T. GRCh37 (hg19) VCF-style: chr12-970387-G-T.
Other names: c.1829G>T, p.Ser610Ile (NM_001184985.2, NM_014823.3, NM_213655.5); short protein forms S610I.
Identifiers: ClinVar variation 2498539 (VCV002498539.30), dbSNP rs2154065902, ClinGen allele CA383335443.